The following is an entry in ClinVar:

ClinVar aggregate classification (germline): Conflicting classifications of pathogenicity. Review status: criteria provided, conflicting classifications (1 of 4 stars). 12 submissions from 12 submitters: Uncertain significance (1); Benign (9); Likely benign (2). Last evaluated 2026-09-01.

Conditions:
Hereditary spastic paraplegia. Also called: Familial spastic paraparesis. Identifiers: Orphanet 685, MedGen C0037773, MONDO:0019064. Disease mechanism: loss of function.
Hereditary spastic paraplegia 7 (SPG7). Also called: SPG7-related neurologic disorder; Spastic paraplegia 7; Hereditary spastic paraplegia Paraplegin type; Autosomal recessive spastic paraplegia type 7; SPASTIC PARAPLEGIA 7, AUTOSOMAL RECESSIVE, WITH OR WITHOUT CEREBELLAR ATAXIA. Identifiers: Orphanet 99013, MedGen C1846564, MONDO:0011803, OMIM 607259.

Allele frequency attached by ClinVar (database versions not stated): 1000 Genomes Project 0.00220; gnomAD 0.00542 and 0.00551; TOPMed 0.00527; ESP Exome Variant Server 0.00731; ExAC 0.00452.
gnomAD v4.1: 12,988 of 1,610,872 alleles (0.81%); highest among the groups gnomAD compares: Non-Finnish European, 1%; 73 homozygotes.

Submissions (12):

CeGaT Center for Human Genetics Tuebingen
Classification: Likely benign. Last evaluated: 2026-09-01. Review status: criteria provided, single submitter. Criteria: CeGaT Center For Human Genetics Tuebingen Variant Classification Criteria Version 2. Collection method: clinical testing. Allele origin: germline. Affected: yes. Observed: 52 variant alleles.
Comment: SPG7: PM5, BS1, BS2

Labcorp Genetics (formerly Invitae), Labcorp
Classification: Benign for Hereditary spastic paraplegia 7. Last evaluated: 2026-01-21. Review status: criteria provided, single submitter. Criteria: Invitae Variant Classification Sherloc (09022015). Collection method: clinical testing. Allele origin: germline.

Blueprint Genetics
Classification: Likely benign. Last evaluated: 2024-11-26. Review status: criteria provided, single submitter. Criteria: ACMG Guidelines, 2015. Collection method: clinical testing. Allele origin: germline.

Athena Diagnostics
Classification: Benign. Last evaluated: 2024-08-29. Review status: criteria provided, single submitter. Criteria: Athena Diagnostics Criteria. Collection method: clinical testing. Allele origin: unknown.

Mayo Clinic Laboratories, Mayo Clinic
Classification: Benign. Last evaluated: 2024-06-17. Review status: criteria provided, single submitter. Criteria: ACMG Guidelines, 2015. Collection method: clinical testing. Allele origin: germline. Observed: 42 variant alleles.
Comment: BS1, BS2

ARUP Laboratories, Molecular Genetics and Genomics, ARUP Laboratories
Classification: Benign for Hereditary spastic paraplegia 7. Last evaluated: 2023-11-09. Review status: criteria provided, single submitter. Criteria: ARUP Molecular Germline Variant Investigation Process 2024. Collection method: clinical testing. Allele origin: germline.

Genome Diagnostics Laboratory, The Hospital for Sick Children
Classification: Benign for Hereditary spastic paraplegia. Last evaluated: 2021-04-04. Review status: criteria provided, single submitter. Criteria: ACMG Guidelines, 2015. Collection method: clinical testing. Allele origin: germline. Affected: yes.

Mendelics
Classification: Benign for Hereditary spastic paraplegia 7. Last evaluated: 2019-05-28. Review status: criteria provided, single submitter. Criteria: Mendelics Assertion Criteria 2017. Collection method: clinical testing. Allele origin: unknown.

Illumina Laboratory Services, Illumina
Classification: Uncertain significance for Hereditary spastic paraplegia 7. Last evaluated: 2018-01-13. Review status: criteria provided, single submitter. Criteria: ICSL Variant Classification Criteria 13 December 2019. Collection method: clinical testing. Allele origin: germline.

Eurofins Ntd Llc (ga)
Classification: Benign. Last evaluated: 2017-06-12. Review status: criteria provided, single submitter. Criteria: EGL Classification Definitions 2015. Collection method: clinical testing. Allele origin: germline. Observed: 1 variant allele, 1 heterozygote.

GeneDx
Classification: Benign. Last evaluated: 2014-04-08. Review status: criteria provided, single submitter. Criteria: GeneDx Variant Classification (06012015). Collection method: clinical testing. Allele origin: germline. Affected: yes.
Comment: This variant is considered likely benign or benign based on one or more of the following criteria: it is a conservative change, it occurs at a poorly conserved position in the protein, it is predicted to be benign by multiple in silico algorithms, and/or has population frequency not consistent with disease.

PreventionGenetics, part of Exact Sciences
Classification: Benign. Review status: criteria provided, single submitter. Criteria: ACMG Guidelines, 2015. Collection method: clinical testing. Allele origin: germline.

Literature cited by the submitters: PubMed 11222789 (cited by Athena Diagnostics); PubMed 16534102 (cited by Athena Diagnostics); PubMed 24727571 (cited by Athena Diagnostics); PubMed 23065789 (cited by Athena Diagnostics); PubMed 32397312 (cited by Athena Diagnostics); PubMed 32447552 (cited by Athena Diagnostics and Mayo Clinic Laboratories, Mayo Clinic).

NM_003119.4(SPG7):c.1457G>A (p.Arg486Gln)

Gene: SPG7 (SPG7 matrix AAA peptidase subunit, paraplegin; plus strand). Cytogenetic location: 16q24.3.
Variant type: single nucleotide variant.
Coding change: c.1457G>A on transcript NM_003119.4 (MANE Select); coding-DNA position 1457, G replaced by A.
Protein change: p.Arg486Gln; replaces arginine 486 with glutamine.
Molecular consequence: missense variant.
Genome position (GRCh38, 1-based): chr16:89,546,665, G>A. VCF-style: chr16-89546665-G-A. GRCh37 (hg19) VCF-style: chr16-89613073-G-A.
Other names: p.R486Q:CGG>CAG; c.1457G>A, p.Arg486Gln (NM_001363850.1); short protein forms R486Q.
Identifiers: ClinVar variation 139241 (VCV000139241.71), dbSNP rs111475461, ClinGen allele CA345675.